The following is an entry in ClinVar:

ClinVar aggregate classification (germline): Uncertain significance (1 of 4 stars; one submission).

Conditions:
Cardiovascular phenotype. Identifiers: MedGen CN230736.

Allele frequency attached by ClinVar (database versions not stated): gnomAD exomes below 0.00001; TOPMed below 0.00001; ExAC 0.00002; gnomAD 0.00002.
gnomAD v4.1: 4 of 1,612,066 alleles (0.00025%); highest among the groups gnomAD compares: African/African-American, 0.004%; no homozygotes.

Submission:

Ambry Genetics
Classification: Uncertain significance for Cardiovascular phenotype. Last evaluated: 2022-03-23. Review status: criteria provided, single submitter. Criteria: Ambry Variant Classification Scheme 2023. Collection method: clinical testing. Allele origin: germline.
Comment: The p.I1706T variant (also known as c.5117T>C), located in coding exon 36 of the LAMA4 gene, results from a T to C substitution at nucleotide position 5117. The isoleucine at codon 1706 is replaced by threonine, an amino acid with similar properties. This amino acid position is conserved. In addition, this alteration is predicted to be tolerated by in silico analysis. Since supporting evidence is limited at this time, the clinical significance of this alteration remains unclear.

NM_001105206.3(LAMA4):c.5138T>C (p.Ile1713Thr)

Gene: LAMA4 (laminin subunit alpha 4; minus strand). Cytogenetic location: 6q21.
Variant type: single nucleotide variant.
Coding change: c.5138T>C on transcript NM_001105206.3 (MANE Select); coding-DNA position 5138, T replaced by C.
Protein change: p.Ile1713Thr; replaces isoleucine 1713 with threonine.
Molecular consequence: missense variant.
Genome position (GRCh38, 1-based): chr6:112,114,731, A>G on the plus strand (T>C on the coding strand, the complement: LAMA4 is on the minus strand). VCF-style: chr6-112114731-A-G. GRCh37 (hg19) VCF-style: chr6-112435934-A-G.
Other names: c.5117T>C, p.Ile1706Thr (NM_001105207.3, NM_002290.5); short protein forms I1713T, I1706T.
Identifiers: ClinVar variation 1745442 (VCV001745442.2), dbSNP rs782652306, ClinGen allele CA3964803.